The following is an entry in ClinVar:

NM_145725.3(TRAF3):c.570G>C (p.Gln190His)

Gene: TRAF3 (TNF receptor associated factor 3; plus strand). Cytogenetic location: 14q32.32.
Variant type: single nucleotide variant.
Coding change: c.570G>C on transcript NM_145725.3 (MANE Select); coding-DNA position 570, G replaced by C.
Protein change: p.Gln190His; replaces glutamine 190 with histidine.
Molecular consequence: missense variant.
Genome position (GRCh38, 1-based): chr14:102,876,525, G>C. VCF-style: chr14-102876525-G-C. GRCh37 (hg19) VCF-style: chr14-103342862-G-C.
Other names: c.570G>C, p.Gln190His (NM_001199427.2, NM_001385142.1, NM_001385143.1 and 2 more transcripts); short protein forms Q190H.
Identifiers: ClinVar variation 1061280 (VCV001061280.9), dbSNP rs2139858256, ClinGen allele CA391070908.

ClinVar aggregate classification (germline): Uncertain significance (1 of 4 stars; one submission).

Conditions:
Immunodeficiency 132A. Also called: Herpes simplex encephalitis, susceptibility to, 3. Identifiers: Orphanet 1930, MedGen C3553868, MONDO:0013920, OMIM 614849.

Submission:

Labcorp Genetics (formerly Invitae), Labcorp
Classification: Uncertain significance for Immunodeficiency 132A. Last evaluated: 2022-02-05. Review status: criteria provided, single submitter. Criteria: Invitae Variant Classification Sherloc (09022015). Collection method: clinical testing. Allele origin: germline.
Comment: Algorithms developed to predict the effect of sequence changes on RNA splicing suggest that this variant may disrupt the consensus splice site. In summary, the available evidence is currently insufficient to determine the role of this variant in disease. Therefore, it has been classified as a Variant of Uncertain Significance. ClinVar contains an entry for this variant (Variation ID: 1061280). Algorithms developed to predict the effect of missense changes on protein structure and function are either unavailable or do not agree on the potential impact of this missense change (SIFT: "Deleterious"; PolyPhen-2: "Probably Damaging"; Align-GVGD: "Class C0"). This sequence change replaces glutamine, which is neutral and polar, with histidine, which is basic and polar, at codon 190 of the TRAF3 protein (p.Gln190His). This variant is not present in population databases (gnomAD no frequency). This variant has not been reported in the literature in individuals affected with TRAF3-related conditions.